The following is an entry in ClinVar:

ClinVar aggregate classification (germline): Uncertain significance (1 of 4 stars; one submission).

Allele frequency attached by ClinVar (database versions not stated): gnomAD 0.00001; TOPMed 0.00001.
gnomAD v4.1: 6 of 1,614,028 alleles (0.00037%); highest among the groups gnomAD compares: Admixed American, 0.01%; no homozygotes.

Submission:

Labcorp Genetics (formerly Invitae), Labcorp
Classification: Uncertain significance. Last evaluated: 2024-07-02. Review status: criteria provided, single submitter. Criteria: Invitae Variant Classification Sherloc (09022015). Collection method: clinical testing. Allele origin: germline.
Comment: This sequence change falls in intron 15 of the SRCAP gene. It does not directly change the encoded amino acid sequence of the SRCAP protein. It affects a nucleotide within the consensus splice site. This variant is present in population databases (no rsID available, gnomAD 0.006%). This variant has not been reported in the literature in individuals affected with SRCAP-related conditions. ClinVar contains an entry for this variant (Variation ID: 2190142). Variants that disrupt the consensus splice site are a relatively common cause of aberrant splicing (PMID: 17576681, 9536098). Algorithms developed to predict the effect of sequence changes on RNA splicing suggest that this variant is not likely to affect RNA splicing. In summary, the available evidence is currently insufficient to determine the role of this variant in disease. Therefore, it has been classified as a Variant of Uncertain Significance.

Literature cited by the submitters: PubMed 17576681; PubMed 9536098.

NM_006662.3(SRCAP):c.2300+6G>T

Gene: SRCAP (Snf2 related CREBBP activator protein; plus strand). Cytogenetic location: 16p11.2.
Variant type: single nucleotide variant.
Coding change: c.2300+6G>T on transcript NM_006662.3 (MANE Select); 6 bases into the intron after coding-DNA position 2300, G replaced by T.
Molecular consequence: intron variant.
Genome position (GRCh38, 1-based): chr16:30,713,383, G>T. VCF-style: chr16-30713383-G-T. GRCh37 (hg19) VCF-style: chr16-30724704-G-T.
Identifiers: ClinVar variation 2190142 (VCV002190142.4), dbSNP rs1228688415, ClinGen allele CA622169649.